The following is an entry in ClinVar:

ClinVar aggregate classification (germline): Uncertain significance. Review status: criteria provided, multiple submitters, no conflicts (2 of 4 stars). 2 submissions from 2 submitters: Uncertain significance (2). Last evaluated 2024-09-06.

Conditions:
Inborn genetic diseases. Identifiers: MedGen C0950123, MeSH D030342.

Submissions (2):

ARUP Laboratories, Molecular Genetics and Genomics, ARUP Laboratories
Classification: Uncertain significance. Last evaluated: 2024-09-06. Review status: criteria provided, single submitter. Criteria: ARUP Molecular Germline Variant Investigation Process 2024. Collection method: clinical testing. Allele origin: germline.
Comment: The F8 c.5903G>A; p.Ser1968Asn variant (rs1000906888), to our knowledge, is not reported in the medical literature but is reported in ClinVar (Variation ID: 2249256). This variant is also absent from the Genome Aggregation Database (v2.1.1), indicating it is not a common polymorphism. Additionally, other variants at this codon (c.5904C>A, p. Ser1968Arg) have been reported in individuals with mild hemophilia A and are considered disease causing (Cutler 2002, Markoff 2009). Computational analyses are uncertain whether this variant is neutral or deleterious (REVEL: 0.428). Given the lack of clinical and functional data, the significance of this variant is uncertain at this time. Reference: Cutler JA et al. The identification and classification of 41 novel mutations in the factor VIII gene (F8C). Hum Mutat. 2002 Mar;19(3):274-8. PMID: 11857744. Markoff A et al. Combined homology modelling and evolutionary significance evaluation of missense mutations in blood clotting factor VIII to highlight aspects of structure and function. Haemophilia. 2009 Jul;15(4):932-41. PMID: 19473423.

Ambry Genetics
Classification: Uncertain significance for Inborn genetic diseases. Last evaluated: 2021-09-15. Review status: criteria provided, single submitter. Criteria: Ambry Variant Classification Scheme 2023. Collection method: clinical testing. Allele origin: germline.

NM_000132.4(F8):c.5903G>A (p.Ser1968Asn)

Gene: F8 (coagulation factor VIII; minus strand). Cytogenetic location: Xq28.
Variant type: single nucleotide variant.
Coding change: c.5903G>A on transcript NM_000132.4 (MANE Select); coding-DNA position 5903, G replaced by A.
Protein change: p.Ser1968Asn; replaces serine 1968 with asparagine.
Molecular consequence: missense variant.
Genome position (GRCh38, 1-based): chrX:154,904,001, C>T on the plus strand (G>A on the coding strand, the complement: F8 is on the minus strand). VCF-style: chrX-154904001-C-T. GRCh37 (hg19) VCF-style: chrX-154132276-C-T.
Other names: short protein forms S1968N.
Identifiers: ClinVar variation 2249256 (VCV002249256.3), dbSNP rs1000906888, ClinGen allele CA337318263.